The following is an entry in ClinVar:

ClinVar aggregate classification (germline): Benign/Likely benign. Review status: criteria provided, multiple submitters, no conflicts (2 of 4 stars). 2 submissions from 2 submitters: Benign (1); Likely benign (1). Last evaluated 2025-07-15.

gnomAD v4.1: 46 of 1,210,516 alleles (0.0038%); highest among the groups gnomAD compares: Non-Finnish European, 0.0046%; no homozygotes.

Submissions (2):

Labcorp Genetics (formerly Invitae), Labcorp
Classification: Benign. Last evaluated: 2025-07-15. Review status: criteria provided, single submitter. Criteria: Invitae Variant Classification Sherloc (09022015). Collection method: clinical testing. Allele origin: germline.

CeGaT Center for Human Genetics Tuebingen
Classification: Likely benign. Last evaluated: 2025-06-01. Review status: criteria provided, single submitter. Criteria: CeGaT Center For Human Genetics Tuebingen Variant Classification Criteria Version 2. Collection method: clinical testing. Allele origin: germline. Affected: yes. Observed: 1 variant allele.
Comment: TAF1: BP4, BS2

NM_004606.5(TAF1):c.5024T>G (p.Leu1675Trp)

Gene: TAF1 (TATA-box binding protein associated factor 1; plus strand). Cytogenetic location: Xq13.1.
Variant type: single nucleotide variant.
Coding change: c.5024T>G on transcript NM_004606.5 (MANE Select); coding-DNA position 5024, T replaced by G.
Protein change: p.Leu1675Trp; replaces leucine 1675 with tryptophan.
Molecular consequence: missense variant. On other transcripts: non-coding transcript variant (9).
Genome position (GRCh38, 1-based): chrX:71,458,326, T>G. VCF-style: chrX-71458326-T-G. GRCh37 (hg19) VCF-style: chrX-70678176-T-G.
Other names: c.5030T>G, p.Leu1677Trp (NM_001286074.2); c.5024T>G, p.Leu1675Trp (NM_001440852.1, NM_001440853.1); c.4961T>G, p.Leu1654Trp (NM_001440854.1, NM_138923.4); short protein forms L1654W, L1675W, L1677W.
Identifiers: ClinVar variation 4085029 (VCV004085029.9).
Genomic context (GRCh38, chrX:71,458,326, plus strand): 5'-CATCCCTCAGTATGTCTCGAGATGCCTCTGTATTTCAAGATGAGAGCAATATGTCTGTCT[T>G]GGATATTCCCAGTGCCACTCCAGAAAAGCAGGTAACACAGGTAGGATGTTCTTTTTCTCT-3'
Protein context (NP_004597.3, residues 1665-1685): VFQDESNMSV[Leu1675Trp]DIPSATPEKQ